The following is an entry in ClinVar:

NM_005120.3(MED12):c.1720C>A (p.Leu574Met)

Genes: MED12 (mediator complex subunit 12; plus strand), LOC126863275 (BRD4-independent group 4 enhancer GRCh37_chrX:70342400-70343599; plus strand). Cytogenetic location: Xq13.1.
Variant type: single nucleotide variant.
Coding change: c.1720C>A on transcript NM_005120.3 (MANE Select); coding-DNA position 1720, C replaced by A.
Protein change: p.Leu574Met; replaces leucine 574 with methionine.
Molecular consequence: missense variant.
Genome position (GRCh38, 1-based): chrX:71,123,696, C>A. VCF-style: chrX-71123696-C-A. GRCh37 (hg19) VCF-style: chrX-70343546-C-A.
Other names: short protein forms L574M.
Identifiers: ClinVar variation 1218013 (VCV001218013.3), dbSNP rs2147788109, ClinGen allele CA413508529.

ClinVar aggregate classification (germline): Uncertain significance (1 of 4 stars; one submission).

Submission:

GeneDx
Classification: Uncertain significance. Last evaluated: 2019-12-03. Review status: criteria provided, single submitter. Criteria: GeneDx Variant Classification Process June 2021. Collection method: clinical testing. Allele origin: germline. Affected: yes.
Comment: Not observed in large population cohorts (Lek et al., 2016); In silico analysis, which includes protein predictors and evolutionary conservation, supports that this variant does not alter protein structure/function; Has not been previously published as pathogenic or benign to our knowledge